The following is an entry in ClinVar:

ClinVar aggregate classification (germline): Pathogenic (1 of 4 stars; one submission).

Conditions:
Primary ciliary dyskinesia 19. Also called: CILIARY DYSKINESIA, PRIMARY, 19, WITH OR WITHOUT SITUS INVERSUS. Identifiers: Orphanet 244, MedGen C3543826, MONDO:0013979, OMIM 614935.

Submission:

MVZ Medizinische Genetik Mainz
Classification: Pathogenic for Primary ciliary dyskinesia 19. Last evaluated: 2024-07-08. Review status: criteria provided, single submitter. Criteria: UK Practice Guidelines For Variant Classification V4 01 2020. Collection method: clinical testing. Allele origin: germline. Inheritance: Autosomal recessive inheritance. Affected: yes. Observed: 1 variant allele.
Comment: ACMG Criteria: PVS1,PM2_SUP,PM3_SUP,PP4

NM_012472.6(DNAAF11):c.662T>G (p.Leu221Ter)

Gene: DNAAF11 (dynein axonemal assembly factor 11; minus strand). Cytogenetic location: 8q24.22.
Variant type: single nucleotide variant.
Coding change: c.662T>G on transcript NM_012472.6 (MANE Select); coding-DNA position 662, T replaced by G.
Protein change: p.Leu221Ter; replaces leucine 221 with a stop codon.
Molecular consequence: nonsense. On other transcripts: non-coding transcript variant (10).
Genome position (GRCh38, 1-based): chr8:132,625,446, A>C on the plus strand (T>G on the coding strand, the complement: DNAAF11 is on the minus strand). VCF-style: chr8-132625446-A-C. GRCh37 (hg19) VCF-style: chr8-133637692-A-C.
Other names: c.662T>G, p.Leu221Ter (NM_001321961.2); c.416T>G, p.Leu139Ter (NM_001321962.2); c.302T>G, p.Leu101Ter (NM_001321963.2, NM_001321964.2, NM_001321965.2 and 1 more transcripts); short protein forms L101*, L139*, L221*.
Identifiers: ClinVar variation 5038153 (VCV005038153.1).
Genomic context (GRCh38, chr8:132,625,446, plus strand): 5'-TCTAATTTCTTTGTGTTGTGTTCCTCTGTGTCTGGTGCCTGTAGGTGGTCTTTGCTCTCT[A>C]AAGAGGAACTAGGAAAAACAAATAGAGCACTTAAAAACAATAATGGATTCATGAGCTTCA-3'